The following is an entry in ClinVar:

ClinVar aggregate classification (germline): Uncertain significance (1 of 4 stars; one submission).

Allele frequency attached by ClinVar (database versions not stated): gnomAD exomes below 0.00001; ExAC 0.00001.
gnomAD v4.1: 6 of 1,613,774 alleles (0.00037%); highest among the groups gnomAD compares: Non-Finnish European, 0.00051%; no homozygotes.

Submission:

GeneDx
Classification: Uncertain significance. Last evaluated: 2022-05-16. Review status: criteria provided, single submitter. Criteria: GeneDx Variant Classification Process June 2021. Collection method: clinical testing. Allele origin: germline. Affected: yes.
Comment: Not observed at significant frequency in large population cohorts (gnomAD); In silico analysis supports that this missense variant does not alter protein structure/function; Has not been previously published as pathogenic or benign to our knowledge

NM_017491.5(WDR1):c.1162G>A (p.Val388Met)

Gene: WDR1 (WD repeat domain 1; minus strand). Cytogenetic location: 4p16.1.
Variant type: single nucleotide variant.
Coding change: c.1162G>A on transcript NM_017491.5 (MANE Select); coding-DNA position 1162, G replaced by A.
Protein change: p.Val388Met; replaces valine 388 with methionine.
Molecular consequence: missense variant.
Genome position (GRCh38, 1-based): chr4:10,083,056, C>T on the plus strand (G>A on the coding strand, the complement: WDR1 is on the minus strand). VCF-style: chr4-10083056-C-T. GRCh37 (hg19) VCF-style: chr4-10084680-C-T.
Other names: c.742G>A, p.Val248Met (NM_005112.5); short protein forms V248M, V388M.
Identifiers: ClinVar variation 1800750 (VCV001800750.1), dbSNP rs765018663, ClinGen allele CA2857727.